The following is an entry in ClinVar:

NM_001845.6(COL4A1):c.4394A>G (p.Lys1465Arg)

Gene: COL4A1 (collagen type IV alpha 1 chain; minus strand). Cytogenetic location: 13q34.
Variant type: single nucleotide variant.
Coding change: c.4394A>G on transcript NM_001845.6 (MANE Select); coding-DNA position 4394, A replaced by G.
Protein change: p.Lys1465Arg; replaces lysine 1465 with arginine.
Molecular consequence: missense variant.
Genome position (GRCh38, 1-based): chr13:110,162,298, T>C on the plus strand (A>G on the coding strand, the complement: COL4A1 is on the minus strand). VCF-style: chr13-110162298-T-C. GRCh37 (hg19) VCF-style: chr13-110814645-T-C.
Other names: short protein forms K1465R.
Identifiers: ClinVar variation 2726614 (VCV002726614.3), dbSNP rs1213798165, ClinGen allele CA388658009.

ClinVar aggregate classification (germline): Uncertain significance (1 of 4 stars; one submission).

Allele frequency attached by ClinVar (database versions not stated): TOPMed below 0.00001; gnomAD exomes 0.00001.
gnomAD v4.1: 8 of 1,614,238 alleles (0.0005%); highest among the groups gnomAD compares: Non-Finnish European, 0.00068%; no homozygotes.

Submission:

Labcorp Genetics (formerly Invitae), Labcorp
Classification: Uncertain significance. Last evaluated: 2023-12-28. Review status: criteria provided, single submitter. Criteria: Invitae Variant Classification Sherloc (09022015). Collection method: clinical testing. Allele origin: germline.
Comment: This sequence change replaces lysine, which is basic and polar, with arginine, which is basic and polar, at codon 1465 of the COL4A1 protein (p.Lys1465Arg). This variant is present in population databases (no rsID available, gnomAD 0.0009%). This variant has not been reported in the literature in individuals affected with COL4A1-related conditions. Experimental studies and prediction algorithms are not available or were not evaluated, and the functional significance of this variant is currently unknown. In summary, the available evidence is currently insufficient to determine the role of this variant in disease. Therefore, it has been classified as a Variant of Uncertain Significance.